The following is an entry in ClinVar:

ClinVar aggregate classification (germline): Likely benign (0 of 4 stars; one submission).

Conditions:
BBS1-related disorder. Also called: BBS1-related condition.

gnomAD v4.1: 6 of 1,613,670 alleles (0.00037%); highest among the groups gnomAD compares: Non-Finnish European, 0.00051%; no homozygotes.

Submission:

PreventionGenetics, part of Exact Sciences
Classification: Likely benign for BBS1-related condition. Last evaluated: 2022-05-02. Review status: no assertion criteria provided. Collection method: clinical testing. Allele origin: germline.
Comment: This variant is classified as likely benign based on ACMG/AMP sequence variant interpretation guidelines (Richards et al. 2015 PMID: 25741868, with internal and published modifications).

NM_024649.5(BBS1):c.591+7C>A

Gene: BBS1 (Bardet-Biedl syndrome 1; plus strand). Cytogenetic location: 11q13.2.
Variant type: single nucleotide variant.
Coding change: c.591+7C>A on transcript NM_024649.5 (MANE Select); 7 bases into the intron after coding-DNA position 591, C replaced by A.
Molecular consequence: intron variant.
Genome position (GRCh38, 1-based): chr11:66,515,940, C>A. VCF-style: chr11-66515940-C-A. GRCh37 (hg19) VCF-style: chr11-66283411-C-A.
Identifiers: ClinVar variation 3353356 (VCV003353356.1).